The following is an entry in ClinVar:

NM_004782.4(SNAP29):c.130T>C (p.Tyr44His)

Gene: SNAP29 (synaptosome associated protein 29; plus strand). Cytogenetic location: 22q11.21.
Variant type: single nucleotide variant.
Coding change: c.130T>C on transcript NM_004782.4 (MANE Select); coding-DNA position 130, T replaced by C.
Protein change: p.Tyr44His; replaces tyrosine 44 with histidine.
Molecular consequence: missense variant.
Genome position (GRCh38, 1-based): chr22:20,859,240, T>C. VCF-style: chr22-20859240-T-C. GRCh37 (hg19) VCF-style: chr22-21213528-T-C.
Other names: short protein forms Y44H.
Identifiers: ClinVar variation 340831 (VCV000340831.20), dbSNP rs116644127, ClinGen allele CA10117019.

ClinVar aggregate classification (germline): Benign/Likely benign. Review status: criteria provided, multiple submitters, no conflicts (2 of 4 stars). 6 submissions from 6 submitters: Benign (4); Likely benign (2). Last evaluated 2026-01-28.

Conditions:
CEDNIK syndrome. Also called: Cerebral dysgenesis, neuropathy, ichthyosis, and palmoplantar keratoderma; CEREBRAL DYSGENESIS, NEUROPATHY, ICHTHYOSIS, AND PALMOPLANTAR KERATODERMA SYNDROME. Identifiers: Orphanet 66631, MedGen C1836033, MONDO:0012290, OMIM 609528.

Allele frequency attached by ClinVar (database versions not stated): gnomAD exomes 0.00091 and 0.00196; ExAC 0.00273; ESP Exome Variant Server 0.00713; gnomAD 0.00741 and 0.00802; 1000 Genomes Project 0.00759; 1000 Genomes Project 30x 0.00812; TOPMed 0.00827.
gnomAD v4.1: 2,489 of 1,607,296 alleles (0.15%); highest among the groups gnomAD compares: African/African-American, 2.6%; 32 homozygotes.

Submissions (6):

Labcorp Genetics (formerly Invitae), Labcorp
Classification: Benign. Last evaluated: 2026-01-28. Review status: criteria provided, single submitter. Criteria: Invitae Variant Classification Sherloc (09022015). Collection method: clinical testing. Allele origin: germline.

Fulgent Genetics
Classification: Likely benign for CEDNIK syndrome. Last evaluated: 2022-04-15. Review status: criteria provided, single submitter. Criteria: ACMG Guidelines, 2015. Collection method: clinical testing. Allele origin: unknown.

Genetic Services Laboratory, University of Chicago
Classification: Benign. Last evaluated: 2020-09-16. Review status: criteria provided, single submitter. Criteria: ACMG Guidelines, 2015. Collection method: clinical testing. Allele origin: germline. Affected: no.

GeneDx
Classification: Benign. Last evaluated: 2019-09-04. Review status: criteria provided, single submitter. Criteria: GeneDx Variant Classification Process June 2021. Collection method: clinical testing. Allele origin: germline. Affected: yes.

Illumina Laboratory Services, Illumina
Classification: Benign for CEDNIK syndrome. Last evaluated: 2018-01-13. Review status: criteria provided, single submitter. Criteria: ICSL Variant Classification Criteria 13 December 2019. Collection method: clinical testing. Allele origin: germline.
Comment: This variant was observed in the ICSL laboratory as part of a predisposition screen in an ostensibly healthy population. It had not been previously curated by ICSL or reported in the Human Gene Mutation Database (HGMD: prior to June 1st, 2018), and was therefore a candidate for classification through an automated scoring system. Utilizing variant allele frequency, disease prevalence and penetrance estimates, and inheritance mode, an automated score was calculated to assess if this variant is too frequent to cause the disease. Based on the score and internal cut-off values, a variant classified as benign is not then subjected to further curation. The score for this variant resulted in a classification of benign for this disease.

Athena Diagnostics
Classification: Likely benign. Last evaluated: 2016-10-27. Review status: criteria provided, single submitter. Criteria: Athena Diagnostics Criteria. Collection method: clinical testing. Allele origin: germline.